The following is an entry in ClinVar:

NM_000548.5(TSC2):c.1256C>A (p.Pro419His)

Gene: TSC2 (TSC complex subunit 2; plus strand). Cytogenetic location: 16p13.3.
Variant type: single nucleotide variant.
Coding change: c.1256C>A on transcript NM_000548.5 (MANE Select); coding-DNA position 1256, C replaced by A.
Protein change: p.Pro419His; replaces proline 419 with histidine.
Molecular consequence: missense variant. On other transcripts: 5 prime UTR variant (10), non-coding transcript variant (5).
Genome position (GRCh38, 1-based): chr16:2,062,007, C>A. VCF-style: chr16-2062007-C-A. GRCh37 (hg19) VCF-style: chr16-2112008-C-A.
Other names: c.1256C>A, p.Pro419His (NM_001077183.3, NM_001114382.3, NM_001363528.2 and 6 more transcripts); c.1145C>A, p.Pro382His (NM_001318827.2, NM_001406670.1, NM_001406678.1); c.1109C>A, p.Pro370His (NM_001318829.2, NM_001406675.1, NM_001406676.1 and 1 more transcripts); c.656C>A, p.Pro219His (NM_001318831.2, NM_001406680.1, NM_001406682.1 and 6 more transcripts); c.1289C>A, p.Pro430His (NM_001318832.2); c.1346C>A, p.Pro449His (NM_001406667.1, NM_001406668.1); c.1244C>A, p.Pro415His (NM_001406671.1, NM_001406673.1); c.1199C>A, p.Pro400His (NM_001406677.1); and 4 more; short protein forms P219H, P265H, P370H, P382H, P400H, P415H, P419H, P430H.
Identifiers: ClinVar variation 3253422 (VCV003253422.2), dbSNP rs1237876686.

ClinVar aggregate classification (germline): Uncertain significance (1 of 4 stars; one submission).

Submission:

GeneDx
Classification: Uncertain significance. Last evaluated: 2025-04-16. Review status: criteria provided, single submitter. Criteria: GeneDx Variant Classification Process June 2021. Collection method: clinical testing. Allele origin: germline.
Comment: Not observed at significant frequency in large population cohorts (gnomAD); In silico analysis supports that this missense variant has a deleterious effect on gene splicing; In silico analysis supports that this missense variant has a deleterious effect on protein structure/function; Has not been previously published as pathogenic or benign to our knowledge